The following is an entry in ClinVar:

ClinVar aggregate classification (germline): Pathogenic/Likely pathogenic. Review status: criteria provided, multiple submitters, no conflicts (2 of 4 stars). 2 submissions from 2 submitters: Pathogenic (1); Likely pathogenic (1). Last evaluated 2023-08-28.

Conditions:
Ehlers-Danlos syndrome, classic type, 1 (EDSCL1). Also called: EHLERS-DANLOS SYNDROME, GRAVIS TYPE; EHLERS-DANLOS SYNDROME, SEVERE CLASSIC TYPE; EDS I; Ehlers-Danlos Syndrome, Classic Type, COL5A1-Related; Ehlers-Danlos syndrome, type 1. Identifiers: MedGen C0268335, MONDO:0019567, OMIM 130000.
Osteogenesis imperfecta type I (OI1). Also called: OI, TYPE I; OSTEOGENESIS IMPERFECTA TARDA; OSTEOGENESIS IMPERFECTA WITH BLUE SCLERAE; Classic Non-deforming Osteogenesis Imperfecta with Blue Sclerae; Lobstein disease; Osteogenesis imperfecta type 1. Identifiers: Orphanet 216796, Orphanet 666, MedGen C0023931, MONDO:0008146, OMIM 166200. Disease mechanism: loss of function.

Submissions (2):

Revvity Omics, Revvity
Classification: Likely pathogenic. Last evaluated: 2023-08-28. Review status: criteria provided, single submitter. Criteria: ACMG Guidelines, 2015. Collection method: clinical testing. Allele origin: germline.

Labcorp Genetics (formerly Invitae), Labcorp
Classification: Pathogenic for Osteogenesis imperfecta type I; Ehlers-Danlos syndrome, classic type, 1. Last evaluated: 2022-08-23. Review status: criteria provided, single submitter. Criteria: Invitae Variant Classification Sherloc (09022015). Collection method: clinical testing. Allele origin: germline.
Comment: Advanced modeling of protein sequence and biophysical properties (such as structural, functional, and spatial information, amino acid conservation, physicochemical variation, residue mobility, and thermodynamic stability) performed at Invitae indicates that this missense variant is expected to disrupt COL1A2 protein function. For these reasons, this variant has been classified as Pathogenic. This variant disrupts the triple helix domain of COL1A2. Glycine residues within the Gly-Xaa-Yaa repeats of the triple helix domain are required for the structure and stability of fibrillar collagens (PMID: 7695699, 8218237, 19344236). In COL1A2, variants affecting these glycine residues are significantly enriched in individuals with disease (PMID: 9016532, 17078022) compared to the general population (ExAC). ClinVar contains an entry for this variant (Variation ID: 456811). This missense change has been observed in individual(s) with autosomal dominant osteogenesis imperfecta (PMID: 28725987). This variant is not present in population databases (gnomAD no frequency). This sequence change replaces glycine, which is neutral and non-polar, with alanine, which is neutral and non-polar, at codon 583 of the COL1A2 protein (p.Gly583Ala).

Literature cited by the submitters: PubMed 7695699 (cited by Labcorp Genetics (formerly Invitae), Labcorp); PubMed 8218237 (cited by Labcorp Genetics (formerly Invitae), Labcorp); PubMed 19344236 (cited by Labcorp Genetics (formerly Invitae), Labcorp); PubMed 9016532 (cited by Labcorp Genetics (formerly Invitae), Labcorp); PubMed 17078022 (cited by Labcorp Genetics (formerly Invitae), Labcorp); PubMed 28725987 (cited by Labcorp Genetics (formerly Invitae), Labcorp).

NM_000089.4(COL1A2):c.1748G>C (p.Gly583Ala)

Gene: COL1A2 (collagen type I alpha 2 chain; plus strand). Cytogenetic location: 7q21.3.
Variant type: single nucleotide variant.
Coding change: c.1748G>C on transcript NM_000089.4 (MANE Select); coding-DNA position 1748, G replaced by C.
Protein change: p.Gly583Ala; replaces glycine 583 with alanine.
Molecular consequence: missense variant.
Genome position (GRCh38, 1-based): chr7:94,415,254, G>C. VCF-style: chr7-94415254-G-C. GRCh37 (hg19) VCF-style: chr7-94044566-G-C.
Other names: short protein forms G583A.
Identifiers: ClinVar variation 456811 (VCV000456811.11), dbSNP rs1554396983, ClinGen allele CA368222519.